The following is an entry in ClinVar:

ClinVar aggregate classification (germline): Uncertain significance (1 of 4 stars; one submission).

Conditions:
Developmental and epileptic encephalopathy, 27 (DEE27). Also called: Epileptic encephalopathy, early infantile, 27; GRIN2B-Related Neurodevelopmental Disorder. Identifiers: Orphanet 3451, MedGen C4015316, MONDO:0014505, OMIM 616139.
Intellectual developmental disorder, autosomal dominant 6, with or without seizures. Also called: Intellectual disability, autosomal dominant 6; GRIN2B-related developmental delay, intellectual disability and autism spectrum disorder. Identifiers: Orphanet 589547, MedGen C3151411, MONDO:0013509, OMIM 613970.

gnomAD v4.1: 5 of 1,614,204 alleles (0.00031%); highest among the groups gnomAD compares: South Asian, 0.0011%; no homozygotes.

Submission:

Labcorp Genetics (formerly Invitae), Labcorp
Classification: Uncertain significance for Developmental and epileptic encephalopathy, 27; Intellectual developmental disorder, autosomal dominant 6, with or without seizures. Last evaluated: 2025-06-20. Review status: criteria provided, single submitter. Criteria: Invitae Variant Classification Sherloc (09022015). Collection method: clinical testing. Allele origin: germline.
Comment: This sequence change replaces arginine, which is basic and polar, with glutamine, which is neutral and polar, at codon 926 of the GRIN2B protein (p.Arg926Gln). This variant is not present in population databases (gnomAD no frequency). This variant has not been reported in the literature in individuals affected with GRIN2B-related conditions. Invitae Evidence Modeling of protein sequence and biophysical properties (such as structural, functional, and spatial information, amino acid conservation, physicochemical variation, residue mobility, and thermodynamic stability) indicates that this missense variant is not expected to disrupt GRIN2B protein function with a negative predictive value of 95%. In summary, the available evidence is currently insufficient to determine the role of this variant in disease. Therefore, it has been classified as a Variant of Uncertain Significance.

NM_000834.5(GRIN2B):c.2777G>A (p.Arg926Gln)

Gene: GRIN2B (glutamate ionotropic receptor NMDA type subunit 2B; minus strand). Cytogenetic location: 12p13.1.
Variant type: single nucleotide variant.
Coding change: c.2777G>A on transcript NM_000834.5 (MANE Select); coding-DNA position 2777, G replaced by A.
Protein change: p.Arg926Gln; replaces arginine 926 with glutamine.
Molecular consequence: missense variant.
Genome position (GRCh38, 1-based): chr12:13,564,461, C>T on the plus strand (G>A on the coding strand, the complement: GRIN2B is on the minus strand). VCF-style: chr12-13564461-C-T. GRCh37 (hg19) VCF-style: chr12-13717395-C-T.
Other names: c.2777G>A, p.Arg926Gln (NM_001413992.1); short protein forms R926Q.
Identifiers: ClinVar variation 4793758 (VCV004793758.1).
Genomic context (GRCh38, chr12:13,564,461, plus strand): 5'-CAGTCAGAATGCGTGAAGCTGCGGCGGTGCTCTGAGATGTCATAGACGGATGACTCCCGT[C>T]GGATGAAGTCCAGGGCGCTCTGCGGTGAGCCATTCACACCAGACAGGTTAGCCATGTTCT-3'
Protein context (NP_000825.2, residues 916-936): GSPQSALDFI[Arg926Gln]RESSVYDISE